The following is an entry in ClinVar:

ClinVar aggregate classification (germline): Uncertain significance (1 of 4 stars; one submission).

Submission:

Labcorp Genetics (formerly Invitae), Labcorp
Classification: Uncertain significance. Last evaluated: 2022-07-25. Review status: criteria provided, single submitter. Criteria: Invitae Variant Classification Sherloc (09022015). Collection method: clinical testing. Allele origin: germline.
Comment: This variant, c.12652_12654del, results in the deletion of 1 amino acid(s) of the ADGRV1 protein (p.Ile4218del), but otherwise preserves the integrity of the reading frame. This variant is not present in population databases (gnomAD no frequency). This variant has not been reported in the literature in individuals affected with ADGRV1-related conditions. ClinVar contains an entry for this variant (Variation ID: 956240). Experimental studies and prediction algorithms are not available or were not evaluated, and the functional significance of this variant is currently unknown. In summary, the available evidence is currently insufficient to determine the role of this variant in disease. Therefore, it has been classified as a Variant of Uncertain Significance.

NM_032119.4(ADGRV1):c.12652_12654del (p.Ile4218del)

Gene: ADGRV1 (adhesion G protein-coupled receptor V1; plus strand). Cytogenetic location: 5q14.3.
Variant type: Deletion.
Coding change: c.12652_12654del on transcript NM_032119.4 (MANE Select); coding-DNA positions 12652 to 12654, 3 bases deleted (ATT; older notation c.12652_12654delATT).
Protein change: p.Ile4218del; deletes isoleucine 4218.
Molecular consequence: inframe deletion. On other transcripts: non-coding transcript variant (1).
Genome position (GRCh38, 1-based): chr5:90,778,029-90,778,031, ATT deleted. VCF-style (leftmost placement, unchanged base first): chr5-90778028-CATT-C. GRCh37 (hg19) VCF-style: chr5-90073845-CATT-C.
Other names: short protein forms I4218del.
Identifiers: ClinVar variation 956240 (VCV000956240.7), dbSNP rs1758430231, ClinGen allele CA1139658960.
Genomic context (GRCh38, chr5:90,778,028, plus strand): 5'-CGTGGGGGAATTTGCTGAAACATCAGGAAAACTGACAATGCGAGACGAACAGTCTGCAGT[CATT>C]GTAGTAATACAGGTATCAATATTAGCTGGTTTCTTTTATGCCCTTTACTCTCTGTGCTGG-3'